The following is an entry in ClinVar:

ClinVar aggregate classification (germline): Likely benign (1 of 4 stars; one submission).

Conditions:
Factor VII-activating protease marburg I. Identifiers: MedGen CN068943.

Allele frequency attached by ClinVar (database versions not stated): ExAC 0.00005; TOPMed 0.00007; gnomAD exomes 0.00008 and 0.00010; gnomAD 0.00010 and 0.00011.
gnomAD v4.1: 152 of 1,613,362 alleles (0.0094%); highest among the groups gnomAD compares: Non-Finnish European, 0.013%; no homozygotes.

Submissions (2):

Illumina Laboratory Services, Illumina
Classification: Likely benign for Factor VII Marburg I Variant Thrombophilia. Last evaluated: 2017-04-28. Review status: criteria provided, single submitter. Criteria: ICSL Variant Classification Criteria 13 December 2019. Collection method: clinical testing. Allele origin: germline.
Comment: This variant was observed in the ICSL laboratory as part of a predisposition screen in an ostensibly healthy population. It had not been previously curated by ICSL or reported in the Human Gene Mutation Database (HGMD: prior to June 1st, 2018), and was therefore a candidate for classification through an automated scoring system. Utilizing variant allele frequency, disease prevalence and penetrance estimates, and inheritance mode, an automated score was calculated to assess if this variant is too frequent to cause the disease. Based on the score and internal cut-off values, a variant classified as likely benign is not then subjected to further curation. The score for this variant resulted in a classification of likely benign for this disease.

Dr. Peter K. Rogan Lab, Western University
No classification provided (evidence only). Condition: Papillary renal cell carcinoma type 1. Review status: no classification provided. Collection method: in vitro. Allele origin: not applicable. Functional consequence: skipped exon. Not counted in ClinVar's aggregate classification.

NM_004132.5(HABP2):c.1238-2A>G

Gene: HABP2 (hyaluronan binding protein 2; plus strand). Cytogenetic location: 10q25.3.
Variant type: single nucleotide variant.
Coding change: c.1238-2A>G on transcript NM_004132.5 (MANE Select); the canonical splice acceptor site of the intron before coding-DNA position 1238, A replaced by G.
Molecular consequence: splice acceptor variant.
Genome position (GRCh38, 1-based): chr10:113,584,146, A>G. VCF-style: chr10-113584146-A-G. GRCh37 (hg19) VCF-style: chr10-115343905-A-G.
Other names: NC_000010.10:g.115343905A>G; c.1160-2A>G (NM_001177660.3).
Identifiers: ClinVar variation 878026 (VCV000878026.5), dbSNP rs771393045, ClinGen allele CA5693967.
Genomic context (GRCh38, chr10:113,584,146, plus strand): 5'-GCTGGTGCTTCTCTGACAAAGAGGTGACATCGCATCCATTTTCTACCTCTCTCTCCACCT[A>G]GCATTGCTCAAGTTAAAGCCAGTGGATGGTCACTGTGCTCTAGAATCCAAATACGTGAAG-3'